The following is an entry in ClinVar:

NM_000517.6(HBA2):c.237del (p.Asn79fs)

Genes: HBA2 (hemoglobin subunit alpha 2; plus strand), LOC106804612 (hemoglobin subunit alpha 2 recombination region; plus strand). Cytogenetic location: 16p13.3.
Variant type: Deletion.
Coding change: c.237del on transcript NM_000517.6 (MANE Select); coding-DNA position 237, one base deleted (C; older notation c.237delC).
Protein change: p.Asn79fs; shifts the reading frame from asparagine 79.
Molecular consequence: frameshift variant.
Genome position (GRCh38, 1-based): chr16:173,266, C deleted. VCF-style (leftmost placement, unchanged base first): chr16-173265-AC-A. GRCh37 (hg19) VCF-style: chr16-223264-AC-A.
Other names: short protein forms N79fs.
Identifiers: ClinVar variation 4818648 (VCV004818648.1).
Genomic context (GRCh38, chr16:173,265, plus strand): 5'-ACGGCAAGAAGGTGGCCGACGCGCTGACCAACGCCGTGGCGCACGTGGACGACATGCCCA[AC>A]GCGCTGTCCGCCCTGAGCGACCTGCACGCGCACAAGCTTCGGGTGGACCCGGTCAACTTC-3'

ClinVar aggregate classification (germline): Likely pathogenic (1 of 4 stars; one submission).

Conditions:
alpha Thalassemia. Also called: Alpha thalassemia spectrum. Identifiers: Orphanet 846, MedGen C0002312, MONDO:0011399, OMIM 604131.

Submission:

Natera, Inc.
Classification: Likely pathogenic for Alpha thalassemia. Last evaluated: 2025-10-16. Review status: criteria provided, single submitter. Criteria: Natera Variant Classification Schema (03/2026). Collection method: clinical testing. Allele origin: germline.
Comment: The c.237delC variant in HBA2 is a frameshift variant predicted to shift the reading frame beginning at codon 79 and leads to a stop codon 6 codons downstream. This variant is expected to result in nonsense mediated decay, truncation, or a dysfunctional protein product. This variant is rare in the general population with a frequency below the threshold expected for the associated phenotype(s). Given the available evidence, this variant is classified as Likely Pathogenic.